The following is an entry in ClinVar:

ClinVar aggregate classification (germline): Uncertain significance (1 of 4 stars; one submission).

Conditions:
Hypertrophic cardiomyopathy. Also called: HYPERTROPHIC MYOCARDIOPATHY. Identifiers: Orphanet 217569, MedGen C0007194, MeSH D002312, MONDO:0005045, HP:0001639.

Submission:

Labcorp Genetics (formerly Invitae), Labcorp
Classification: Uncertain significance for Hypertrophic cardiomyopathy. Last evaluated: 2024-01-04. Review status: criteria provided, single submitter. Criteria: Invitae Variant Classification Sherloc (09022015). Collection method: clinical testing. Allele origin: germline.
Comment: This sequence change falls in intron 33 of the MYBPC3 gene. It does not directly change the encoded amino acid sequence of the MYBPC3 protein. Information on the frequency of this variant in the gnomAD database is not available, as this variant may be reported differently in the database. This variant has not been reported in the literature in individuals affected with MYBPC3-related conditions. Experimental studies and prediction algorithms are not available or were not evaluated, and the effect of this variant on mRNA splicing is currently unknown. In summary, the available evidence is currently insufficient to determine the role of this variant in disease. Therefore, it has been classified as a Variant of Uncertain Significance.

NM_000256.3(MYBPC3):c.3814+16_3814+17delinsAA

Gene: MYBPC3 (myosin binding protein C3; minus strand). Cytogenetic location: 11p11.2.
Variant type: Indel.
Coding change: c.3814+16_3814+17delinsAA on transcript NM_000256.3 (MANE Select); bases 16 to 17 of the intron after coding-DNA position 3814, GG replaced by AA.
Molecular consequence: intron variant.
Genome position (GRCh38, 1-based): chr11:47,332,055-47,332,056, CC replaced by TT on the plus strand (GG replaced by AA on the coding strand, the reverse complement: MYBPC3 is on the minus strand). VCF-style: chr11-47332055-CC-TT. GRCh37 (hg19) VCF-style: chr11-47353606-CC-TT.
Identifiers: ClinVar variation 2901888 (VCV002901888.3), dbSNP rs2495735864, ClinGen allele CA2739270409.
Genomic context (GRCh38, chr11:47,332,055, plus strand): 5'-CAACGGAGCAAAGCCCAGGGTCCCCACTGCCGCCCGCTCTTCCCATCTCCCAGGCCCTGG[CC>TT]CCGAGGGCTCCTCACCTCGCACCTCCAGGCGGCACTCACACCGTGCCTCGCCCTGTAAGT-3'